The following is an entry in ClinVar:

NM_030632.3(ASXL3):c.1378dup (p.Thr460fs)

Gene: ASXL3 (ASXL transcriptional regulator 3; plus strand). Cytogenetic location: 18q12.1.
Variant type: Duplication.
Coding change: c.1378dup on transcript NM_030632.3 (MANE Select); coding-DNA position 1378, one base duplicated (A; older notation c.1378dupA).
Protein change: p.Thr460fs; shifts the reading frame from threonine 460.
Molecular consequence: frameshift variant.
Genome position (GRCh38, 1-based): chr18:33,738,782, A duplicated. VCF-style (leftmost placement, unchanged base first): chr18-33738781-G-GA. GRCh37 (hg19) VCF-style: chr18-31318745-G-GA.
Other names: short protein forms T460fs.
Identifiers: ClinVar variation 2051555 (VCV002051555.4), dbSNP rs2510916454, ClinGen allele CA2580095654.

ClinVar aggregate classification (germline): Pathogenic (1 of 4 stars; one submission).

Submission:

Labcorp Genetics (formerly Invitae), Labcorp
Classification: Pathogenic. Last evaluated: 2021-12-21. Review status: criteria provided, single submitter. Criteria: Invitae Variant Classification Sherloc (09022015). Collection method: clinical testing. Allele origin: germline.
Comment: For these reasons, this variant has been classified as Pathogenic. This variant has not been reported in the literature in individuals affected with ASXL3-related conditions. This variant is not present in population databases (gnomAD no frequency). This sequence change creates a premature translational stop signal (p.Thr460Asnfs*2) in the ASXL3 gene. It is expected to result in an absent or disrupted protein product. Loss-of-function variants in ASXL3 are known to be pathogenic (PMID: 26647312, 28100473).

Literature cited by the submitters: PubMed 26647312; PubMed 28100473.